The following is an entry in ClinVar:

NM_006648.4(WNK2):c.1984C>G (p.Leu662Val)

Gene: WNK2 (WNK lysine deficient protein kinase 2; plus strand). Cytogenetic location: 9q22.31.
Variant type: single nucleotide variant.
Coding change: c.1984C>G on transcript NM_006648.4 (MANE Select); coding-DNA position 1984, C replaced by G.
Protein change: p.Leu662Val; replaces leucine 662 with valine.
Molecular consequence: missense variant.
Genome position (GRCh38, 1-based): chr9:93,253,032, C>G. VCF-style: chr9-93253032-C-G. GRCh37 (hg19) VCF-style: chr9-96015314-C-G.
Other names: c.1984C>G, p.Leu662Val (NM_001282394.3); short protein forms L662V.
Identifiers: ClinVar variation 3817196 (VCV003817196.1).

ClinVar aggregate classification (germline): Uncertain significance (1 of 4 stars; one submission).

Submission:

Ambry Genetics
Classification: Uncertain significance. Last evaluated: 2025-03-02. Review status: criteria provided, single submitter. Criteria: Ambry Variant Classification Scheme 2023. Collection method: clinical testing. Allele origin: germline.
Comment: The p.L662V variant (also known as c.1984C>G), located in coding exon 8 of the WNK2 gene, results from a C to G substitution at nucleotide position 1984. The leucine at codon 662 is replaced by valine, an amino acid with highly similar properties. This amino acid position is conserved. In addition, this alteration is predicted to be tolerated by in silico analysis. Based on the available evidence, the clinical significance of this variant remains unclear.